The following is an entry in ClinVar:

ClinVar aggregate classification (germline): Conflicting classifications of pathogenicity. Review status: criteria provided, conflicting classifications (1 of 4 stars). 3 submissions from 3 submitters: Uncertain significance (1); Likely benign (1). 1 of the submissions does not count toward it. Last evaluated 2025-11-19.

Conditions:
Hereditary cancer-predisposing syndrome. Also called: Tumor predisposition; Hereditary neoplastic syndrome; Neoplastic Syndromes, Hereditary; Hereditary Cancer Syndrome. Identifiers: Orphanet 140162, MedGen C0027672, MeSH D009386, MONDO:0015356.
Colorectal cancer, susceptibility to, 12 (CRCS12). Also called: COLORECTAL CANCER, SUSCEPTIBILITY TO, ON CHROMOSOME 12q24. Identifiers: Orphanet 220460, MedGen C3554460, MONDO:0014038, OMIM 615083.

Allele frequency attached by ClinVar (database versions not stated): gnomAD exomes below 0.00001 and 0.00001; ExAC 0.00002.
gnomAD v4.1: 2 of 1,613,766 alleles (0.00012%); highest among the groups gnomAD compares: Non-Finnish European, 0.00017%; no homozygotes.

Submissions (3):

Labcorp Genetics (formerly Invitae), Labcorp
Classification: Likely benign. Last evaluated: 2025-11-19. Review status: criteria provided, single submitter. Criteria: Invitae Variant Classification Sherloc (09022015). Collection method: clinical testing. Allele origin: germline.

Ambry Genetics
Classification: Uncertain significance for Hereditary cancer-predisposing syndrome. Last evaluated: 2025-01-28. Review status: criteria provided, single submitter. Criteria: Ambry Variant Classification Scheme 2023. Collection method: clinical testing. Allele origin: germline.
Comment: The c.5379-5T>C intronic variant results from a T to C substitution 5 nucleotides upstream from coding exon 40 in the POLE gene. This nucleotide position is highly conserved in available vertebrate species. In silico splice site analysis predicts that this alteration will not have any significant effect on splicing. Based on the available evidence, the clinical significance of this variant remains unclear.

Counsyl
Classification: Likely benign for Colorectal cancer, susceptibility to, 12. Last evaluated: 2016-10-13. Review status: no assertion criteria provided. Collection method: clinical testing. Allele origin: unknown. Not counted in ClinVar's aggregate classification.

NM_006231.4(POLE):c.5379-5T>C

Gene: POLE (DNA polymerase epsilon, catalytic subunit; minus strand). Cytogenetic location: 12q24.33.
Variant type: single nucleotide variant.
Coding change: c.5379-5T>C on transcript NM_006231.4 (MANE Select); 5 bases into the intron before coding-DNA position 5379, T replaced by C.
Molecular consequence: intron variant.
Genome position (GRCh38, 1-based): chr12:132,639,303, A>G on the plus strand (T>C on the coding strand, the complement: POLE is on the minus strand). VCF-style: chr12-132639303-A-G. GRCh37 (hg19) VCF-style: chr12-133215889-A-G.
Identifiers: ClinVar variation 372018 (VCV000372018.18), dbSNP rs761910924, ClinGen allele CA6892534.
Genomic context (GRCh38, chr12:132,639,303, plus strand): 5'-TGTTGTGGTACTGGGTGATCTCCTTCACCCAGCCCACGACCATGCTCTTCAGGATCCTGA[A>G]AGAGAAGGTGCACGACACCCTCGTACCCTCAGCCTCCCACGCTGCTGCCACGCGGGACGC-3'